The following is an entry in ClinVar:

ClinVar aggregate classification (germline): Likely benign (1 of 4 stars; one submission).

gnomAD v4.1: 1 of 1,613,822 alleles (0.000062%); no homozygotes.

Submission:

CeGaT Center for Human Genetics Tuebingen
Classification: Likely benign. Last evaluated: 2026-09-01. Review status: criteria provided, single submitter. Criteria: CeGaT Center For Human Genetics Tuebingen Variant Classification Criteria Version 2. Collection method: clinical testing. Allele origin: germline. Affected: yes. Observed: 1 variant allele.
Comment: LAMB2: BP4, BP7

NM_002292.4(LAMB2):c.225C>A (p.Pro75=)

Gene: LAMB2 (laminin subunit beta 2; minus strand). Cytogenetic location: 3p21.31.
Variant type: single nucleotide variant.
Coding change: c.225C>A on transcript NM_002292.4 (MANE Select); coding-DNA position 225, C replaced by A.
Protein change: p.Pro75=; no amino-acid change (proline 75 retained).
Molecular consequence: synonymous variant.
Genome position (GRCh38, 1-based): chr3:49,132,515, G>T on the plus strand (C>A on the coding strand, the complement: LAMB2 is on the minus strand). VCF-style: chr3-49132515-G-T. GRCh37 (hg19) VCF-style: chr3-49169948-G-T.
Identifiers: ClinVar variation 5041099 (VCV005041099.1).